The following is an entry in ClinVar:

NM_000202.8(IDS):c.790T>A (p.Tyr264Asn)

Genes: IDS (iduronate 2-sulfatase; minus strand), LOC106050102 (IDS recombination region; plus strand). Cytogenetic location: Xq28.
Variant type: single nucleotide variant.
Coding change: c.790T>A on transcript NM_000202.8 (MANE Select); coding-DNA position 790, T replaced by A.
Protein change: p.Tyr264Asn; replaces tyrosine 264 with asparagine.
Molecular consequence: missense variant. On other transcripts: non-coding transcript variant (1).
Genome position (GRCh38, 1-based): chrX:149,496,435, A>T on the plus strand (T>A on the coding strand, the complement: IDS is on the minus strand). VCF-style: chrX-149496435-A-T. GRCh37 (hg19) VCF-style: chrX-148577966-A-T.
Other names: c.520T>A, p.Tyr174Asn (NM_001166550.4); c.790T>A, p.Tyr264Asn (NM_006123.5); short protein forms Y174N, Y264N.
Identifiers: ClinVar variation 3255840 (VCV003255840.2).

ClinVar aggregate classification (germline): Likely pathogenic (1 of 4 stars; one submission).

Conditions:
Mucopolysaccharidosis, MPS-II (MPS2). Also called: Hunter Syndrome; IDURONATE 2-SULFATASE DEFICIENCY; Mucopolysaccharidosis Type II; Mucopolysaccharidosis type 2; Attenuated MPS (subtype; formerly known as mild MPS II); Severe MPS II. Identifiers: Orphanet 580, Orphanet 79388, MedGen C0026705, MONDO:0010674, OMIM 309900.

Submission:

Laboratory of Diagnosis and Therapy of Lysosomal Disorders, University of Padova
Classification: Likely pathogenic for Mucopolysaccharidosis, MPS-II. Last evaluated: 2024-06-07. Review status: criteria provided, single submitter. Criteria: ACMG Guidelines, 2015. Collection method: literature only. Allele origin: germline. Affected: yes. Observed: 1 variant allele.
Comment: Absent from controls (or at low frequency) in gnomAD database (PM2_Moderate), Missense variant in a gene with a low rate of benign missense variation (PP2_Supporting), Multiple lines of computational evidence support a deleterious effect (PP3_Supporting), Patient’s phenotype or family history highly specific for the disease (PP4_Strong)

Classification method: ACMG Guidelines [PMID:25741868] with modifications

Literature cited by the submitters: PubMed 10447264.